The following is an entry in ClinVar:

ClinVar aggregate classification (germline): Uncertain significance (1 of 4 stars; one submission).

Conditions:
Hereditary cancer-predisposing syndrome. Also called: Neoplastic Syndromes, Hereditary; Tumor predisposition; Hereditary Cancer Syndrome; Hereditary neoplastic syndrome. Identifiers: Orphanet 140162, MedGen C0027672, MeSH D009386, MONDO:0015356.

Submission:

Ambry Genetics
Classification: Uncertain significance for Hereditary cancer-predisposing syndrome. Last evaluated: 2022-01-01. Review status: criteria provided, single submitter. Criteria: Ambry Variant Classification Scheme 2023. Collection method: clinical testing. Allele origin: germline.
Comment: The p.V307G variant (also known as c.920T>G), located in coding exon 6 of the MSH3 gene, results from a T to G substitution at nucleotide position 920. The valine at codon 307 is replaced by glycine, an amino acid with dissimilar properties. This amino acid position is conserved. In addition, this alteration is predicted to be deleterious by in silico analysis. Since supporting evidence is limited at this time, the clinical significance of this alteration remains unclear.

NM_002439.5(MSH3):c.920T>G (p.Val307Gly)

Genes: MSH3 (mutS homolog 3; plus strand), LOC126807437 (MED14-independent group 3 enhancer GRCh37_chr5:79968379-79969578; plus strand). Cytogenetic location: 5q14.1.
Variant type: single nucleotide variant.
Coding change: c.920T>G on transcript NM_002439.5 (MANE Select); coding-DNA position 920, T replaced by G.
Protein change: p.Val307Gly; replaces valine 307 with glycine.
Molecular consequence: missense variant.
Genome position (GRCh38, 1-based): chr5:80,672,751, T>G. VCF-style: chr5-80672751-T-G. GRCh37 (hg19) VCF-style: chr5-79968570-T-G.
Other names: short protein forms V307G.
Identifiers: ClinVar variation 1766205 (VCV001766205.2), dbSNP rs2546722837, ClinGen allele CA360267335.